The following is an entry in ClinVar:

NM_001353108.3(CEP63):c.1483C>G (p.Leu495Val)

Gene: CEP63 (centrosomal protein 63; plus strand). Cytogenetic location: 3q22.2.
Variant type: single nucleotide variant.
Coding change: c.1483C>G on transcript NM_001353108.3 (MANE Select); coding-DNA position 1483, C replaced by G.
Protein change: p.Leu495Val; replaces leucine 495 with valine.
Molecular consequence: missense variant. On other transcripts: intron variant (17).
Genome position (GRCh38, 1-based): chr3:134,558,157, C>G. VCF-style: chr3-134558157-C-G. GRCh37 (hg19) VCF-style: chr3-134276999-C-G.
Other names: c.1345C>G, p.Leu449Val (NM_001353109.1); c.1483C>G, p.Leu495Val (NM_025180.5); c.1467+6145C>G (NM_001353113.1, NM_001353117.2); c.1329+6145C>G (NM_001042384.2, NM_001353124.2, NM_001353123.2); c.1330-3220C>G (NM_001353122.1, NM_001042383.2, NM_001353121.2 and 2 more transcripts); c.1468-3220C>G (NM_001353110.1, NM_001353112.2, NM_001353111.2 and 1 more transcripts); c.1357-3220C>G (NM_001353118.1); c.967-3220C>G (NM_001353126.2); and 2 more; short protein forms L449V, L495V.
Identifiers: ClinVar variation 2123312 (VCV002123312.2), dbSNP rs535694503, ClinGen allele CA2628700.
Genomic context (GRCh38, chr3:134,558,157, plus strand): 5'-GTATTCTTGTACAGATTAAGTGACTCTAGTATTCTTTTTTATTAGGCAAAAGAGATTTCA[C>G]TAGCAGACCTCCAGGAGAATTATATTGAGGCATTAAATAAATTAGTGTCTGAAAATCAAC-3'
Protein context (NP_001340037.1, residues 485-505): LGLHEAKEIS[Leu495Val]ADLQENYIEA

ClinVar aggregate classification (germline): Uncertain significance. Review status: criteria provided, multiple submitters, no conflicts (2 of 4 stars). 2 submissions from 2 submitters: Uncertain significance (2). Last evaluated 2025-09-26.

Conditions:
Inborn genetic diseases. Identifiers: MedGen C0950123, MeSH D030342.

Allele frequency attached by ClinVar (database versions not stated): gnomAD 0.00001; TOPMed 0.00001; 1000 Genomes Project 30x 0.00016; 1000 Genomes Project 0.00020.
gnomAD v4.1: 25 of 1,613,112 alleles (0.0015%); highest among the groups gnomAD compares: South Asian, 0.027%; no homozygotes.

Submissions (2):

Ambry Genetics
Classification: Uncertain significance for Inborn genetic diseases. Last evaluated: 2025-09-26. Review status: criteria provided, single submitter. Criteria: Ambry Variant Classification Scheme 2023. Collection method: clinical testing. Allele origin: germline.

Labcorp Genetics (formerly Invitae), Labcorp
Classification: Uncertain significance. Last evaluated: 2022-04-08. Review status: criteria provided, single submitter. Criteria: Invitae Variant Classification Sherloc (09022015). Collection method: clinical testing. Allele origin: germline.
Comment: This sequence change replaces leucine, which is neutral and non-polar, with valine, which is neutral and non-polar, at codon 495 of the CEP63 protein (p.Leu495Val). This variant is present in population databases (rs535694503, gnomAD 0.03%). This variant has not been reported in the literature in individuals affected with CEP63-related conditions. Algorithms developed to predict the effect of missense changes on protein structure and function are either unavailable or do not agree on the potential impact of this missense change (SIFT: "Deleterious"; PolyPhen-2: "Benign"; Align-GVGD: "Class C0"). In summary, the available evidence is currently insufficient to determine the role of this variant in disease. Therefore, it has been classified as a Variant of Uncertain Significance.